The following is an entry in ClinVar:

ClinVar aggregate classification (germline): Uncertain significance (1 of 4 stars; one submission).

Submission:

Labcorp Genetics (formerly Invitae), Labcorp
Classification: Uncertain significance. Last evaluated: 2023-12-02. Review status: criteria provided, single submitter. Criteria: Invitae Variant Classification Sherloc (09022015). Collection method: clinical testing. Allele origin: unknown.
Comment: A copy number gain of the genomic region encompassing the full coding sequence of the RPL15 gene has been identified. The boundaries of this event are unknown as they extend beyond the assayed region for this gene and therefore may encompass additional genes. As the precise location of this event is unknown, it may be in tandem or it may be located elsewhere in the genome. This variant has not been reported in the literature in individuals affected with RPL15-related conditions. In summary, the available evidence is currently insufficient to determine the role of this variant in disease. Therefore, it has been classified as a Variant of Uncertain Significance.

NC_000003.11:g.(?_23959351)_(23960992_?)dup

Gene: RPL15 (ribosomal protein L15; plus strand). Cytogenetic location: 3p24.2.
Variant type: Duplication.
Identifiers: ClinVar variation 3246987 (VCV003246987.1).